The following is an entry in ClinVar:

ClinVar aggregate classification (germline): Likely pathogenic (1 of 4 stars; one submission).

Submissions (2):

Labcorp Genetics (formerly Invitae), Labcorp
Classification: Likely pathogenic. Last evaluated: 2024-03-18. Review status: criteria provided, single submitter. Criteria: Invitae Variant Classification Sherloc (09022015). Collection method: clinical testing. Allele origin: germline.
Comment: This sequence change affects a donor splice site in intron 14 of the PLOD3 gene. It is expected to disrupt RNA splicing. Variants that disrupt the donor or acceptor splice site typically lead to a loss of protein function (PMID: 16199547), and loss-of-function variants in PLOD3 are known to be pathogenic (PMID: 30237576). This variant is present in population databases (rs145837848, gnomAD no frequency). This variant has not been reported in the literature in individuals affected with PLOD3-related conditions. Algorithms developed to predict the effect of sequence changes on RNA splicing suggest that this variant may disrupt the consensus splice site. In summary, the currently available evidence indicates that the variant is pathogenic, but additional data are needed to prove that conclusively. Therefore, this variant has been classified as Likely Pathogenic.

Dr. Peter K. Rogan Lab, Western University
No classification provided (evidence only). Condition: Gastric cancer. Review status: no classification provided. Collection method: in vitro. Allele origin: not applicable. Functional consequence: retained intron. Not counted in ClinVar's aggregate classification.

Literature cited by the submitters: PubMed 16199547 (cited by Labcorp Genetics (formerly Invitae), Labcorp); PubMed 30237576 (cited by Labcorp Genetics (formerly Invitae), Labcorp).

NM_001084.5(PLOD3):c.1614+1G>T

Gene: PLOD3 (procollagen-lysine,2-oxoglutarate 5-dioxygenase 3; minus strand). Cytogenetic location: 7q22.1.
Variant type: single nucleotide variant.
Coding change: c.1614+1G>T on transcript NM_001084.5 (MANE Select); the canonical splice donor site of the intron after coding-DNA position 1614, G replaced by T.
Molecular consequence: splice donor variant.
Genome position (GRCh38, 1-based): chr7:101,210,330, C>A on the plus strand (G>T on the coding strand, the complement: PLOD3 is on the minus strand). VCF-style: chr7-101210330-C-A. GRCh37 (hg19) VCF-style: chr7-100853611-C-A.
Identifiers: ClinVar variation 3669517 (VCV003669517.3).
Genomic context (GRCh38, chr7:101,210,330, plus strand): 5'-GGTGTCTTCCTTAGCACAAGGCGGGGAACCTGTGTGCTCTGGGCGTGGGGTCCCCACTCA[C>A]GACGGGGTTGTCGAAGATCTGCCAGAGGTCGGGGTGCAGGTGCTCCGTGTCGTATCTGGA-3'